The following is an entry in ClinVar:

NM_194284.3(CLDN23):c.268G>A (p.Ala90Thr)

Genes: CLDN23 (claudin 23), LOC146081336 (uncharacterized LOC146081336). Cytogenetic location: 8p23.1.
Variant type: single nucleotide variant.
Coding change: c.268G>A on transcript NM_194284.3 (MANE Select); coding-DNA position 268, G replaced by A.
Protein change: p.Ala90Thr; replaces alanine 90 with threonine.
Molecular consequence: missense variant.
Genome position (GRCh38, 1-based): chr8:8,702,666, G>A. VCF-style: chr8-8702666-G-A. GRCh37 (hg19) VCF-style: chr8-8560176-G-A.
Other names: short protein forms A90T.
Identifiers: ClinVar variation 2658375 (VCV002658375.24), dbSNP rs201513699, ClinGen allele CA4618546.

ClinVar aggregate classification (germline): Likely benign (1 of 4 stars; one submission).

Allele frequency attached by ClinVar (database versions not stated): 1000 Genomes Project 30x 0.00375; 1000 Genomes Project 0.00399; gnomAD 0.00415; TOPMed 0.00415; ESP Exome Variant Server 0.00462.
gnomAD v4.1: 7,922 of 1,604,364 alleles (0.49%); highest among the groups gnomAD compares: Middle Eastern, 1.3%; 38 homozygotes.

Submission:

CeGaT Center for Human Genetics Tuebingen
Classification: Likely benign. Last evaluated: 2022-09-01. Review status: criteria provided, single submitter. Criteria: CeGaT Center For Human Genetics Tuebingen Variant Classification Criteria Version 2. Collection method: clinical testing. Allele origin: germline. Affected: yes. Observed: 1 variant allele.
Comment: CLDN23: BP4, BS2